The following is an entry in ClinVar:

NM_018418.5(SPATA7):c.1689del (p.Ser564fs)

Gene: SPATA7 (spermatogenesis associated 7; plus strand). Cytogenetic location: 14q31.3.
Variant type: Deletion.
Coding change: c.1689del on transcript NM_018418.5 (MANE Select); coding-DNA position 1689, one base deleted (C; older notation c.1689delC).
Protein change: p.Ser564fs; shifts the reading frame from serine 564.
Molecular consequence: frameshift variant.
Genome position (GRCh38, 1-based): chr14:88,438,311, C deleted; the last of 3 consecutive C bases (chr14:88,438,309-88,438,311); deleting any one gives the same sequence. VCF-style (leftmost placement, unchanged base first): chr14-88438308-AC-A. GRCh37 (hg19) VCF-style: chr14-88904652-AC-A.
Other names: c.1593del, p.Ser532fs (NM_001040428.4); short protein forms S564fs, S532fs.
Identifiers: ClinVar variation 861010 (VCV000861010.7), dbSNP rs2077149352, ClinGen allele CA916083392.
Genomic context (GRCh38, chr14:88,438,308, plus strand): 5'-AGGTGATAGTGACCCTGAAAAGGTTGAGATTTCAAATGGATTATGTGGTCTTAACACATC[AC>A]CCTCCCAATCTGTTCAGTTCTCCAGTGTCAAAGGCGACAATAATCATGACATGGAGTTAT-3'

ClinVar aggregate classification (germline): Uncertain significance (1 of 4 stars; one submission).

Conditions:
Leber congenital amaurosis 3 (LCA3). Also called: SPATA7-Related Retinitis Pigmentosa. Identifiers: MedGen C1858677, MONDO:0011415, OMIM 604232.

Submission:

Labcorp Genetics (formerly Invitae), Labcorp
Classification: Uncertain significance for Leber congenital amaurosis 3. Last evaluated: 2021-10-20. Review status: criteria provided, single submitter. Criteria: Invitae Variant Classification Sherloc (09022015). Collection method: clinical testing. Allele origin: germline.
Comment: In summary, the available evidence is currently insufficient to determine the role of this variant in disease. Therefore, it has been classified as a Variant of Uncertain Significance. This variant has not been reported in the literature in individuals with SPATA7-related conditions. This variant is not present in population databases (ExAC no frequency). This sequence change results in a premature translational stop signal in the SPATA7 gene (p.Ser564Profs*27). While this is not anticipated to result in nonsense mediated decay, it is expected to disrupt the last 36 amino acids of the SPATA7 protein.